The following is an entry in ClinVar:

NM_004186.5(SEMA3F):c.1423G>A (p.Asp475Asn)

Gene: SEMA3F (semaphorin 3F; plus strand). Cytogenetic location: 3p21.31.
Variant type: single nucleotide variant.
Coding change: c.1423G>A on transcript NM_004186.5 (MANE Select); coding-DNA position 1423, G replaced by A.
Protein change: p.Asp475Asn; replaces aspartic acid 475 with asparagine.
Molecular consequence: missense variant.
Genome position (GRCh38, 1-based): chr3:50,184,781, G>A. VCF-style: chr3-50184781-G-A. GRCh37 (hg19) VCF-style: chr3-50222214-G-A.
Other names: c.1126G>A, p.Asp376Asn (NM_001318798.2); c.1330G>A, p.Asp444Asn (NM_001318800.2); short protein forms D376N, D475N, D444N.
Identifiers: ClinVar variation 4995700 (VCV004995700.1).

ClinVar aggregate classification (germline): Uncertain significance (1 of 4 stars; one submission).

Conditions:
SEMA3F-related disorder. Also called: SEMA3F-related condition.

gnomAD v4.1: 6 of 1,614,022 alleles (0.00037%); highest among the groups gnomAD compares: Non-Finnish European, 0.00051%; no homozygotes.

Submission:

PreventionGenetics, part of Exact Sciences
Classification: Uncertain significance for SEMA3F-related condition. Last evaluated: 2025-10-30. Review status: criteria provided, single submitter. Criteria: ACMG Guidelines, 2015. Collection method: clinical testing. Allele origin: germline.
Comment: The SEMA3F c.1423G>A variant is predicted to result in the amino acid substitution p.Asp475Asn. To our knowledge, this variant has not been reported in the literature or in a large population database (gnomAD), indicating this variant is rare. At this time, the clinical significance of this variant is uncertain due to the absence of conclusive functional and genetic evidence.